The following is an entry in ClinVar:

NM_024426.6(WT1):c.1264+5G>C

Gene: WT1 (WT1 transcription factor; minus strand). Cytogenetic location: 11p13.
Variant type: single nucleotide variant.
Coding change: c.1264+5G>C on transcript NM_024426.6 (MANE Select); 5 bases into the intron after coding-DNA position 1264, G replaced by C.
Molecular consequence: intron variant.
Genome position (GRCh38, 1-based): chr11:32,396,252, C>G on the plus strand (G>C on the coding strand, the complement: WT1 is on the minus strand). VCF-style: chr11-32396252-C-G. GRCh37 (hg19) VCF-style: chr11-32417798-C-G.
Other names: c.1090+5G>C (NM_001407050.1); c.1141+5G>C (NM_001407047.1); c.1213+5G>C (NM_001407048.1, NM_001407049.1, NM_000378.6 and 1 more transcripts); c.1258+5G>C (NM_001407044.1); c.1264+5G>C (NM_001407046.1, NM_024424.5); c.994+5G>C (NM_001429034.1, NM_001429033.1); c.1045+5G>C (NM_001429032.1, NM_001429031.1); c.502+5G>C (NM_001407051.1); and 3 more.
Identifiers: ClinVar variation 3750688 (VCV003750688.2).
Genomic context (GRCh38, chr11:32,396,252, plus strand): 5'-GTGAGAGCCTGGAAAAGGAGCTCTTGAACCATGTTTGCCCAAGACTGGACAGCGGGCACA[C>G]TTACCAGTGTGCTTCCTGCTGTGCATCTGTAAGTGGGACAGCTTAAAATATCTCTTATTG-3'

ClinVar aggregate classification (germline): Uncertain significance (1 of 4 stars; one submission).

Conditions:
Wilms tumor 1 (WT1). Also called: Wilms tumor, somatic. Identifiers: Orphanet 654, MedGen CN033288, MONDO:0008679, OMIM 194070.
11p partial monosomy syndrome (WAGR). Also called: WAGR syndrome; WAGR Complex; CHROMOSOME 11p13 DELETION SYNDROME; WAGR Spectrum Disorder. Identifiers: Orphanet 893, MedGen C0206115, MONDO:0008681, OMIM 194072.
Frasier syndrome. Identifiers: Orphanet 347, MedGen C0950122, MeSH D052159, MONDO:0007635, OMIM 136680.
Drash syndrome (DDS). Also called: NEPHROPATHY, WILMS TUMOR, AND GENITAL ANOMALIES; WILMS TUMOR AND PSEUDO- OR TRUE HERMAPHRODITISM. Identifiers: Orphanet 220, MedGen C0950121, MONDO:0008682, OMIM 194080.

Submission:

Labcorp Genetics (formerly Invitae), Labcorp
Classification: Uncertain significance for Wilms tumor 1; Drash syndrome; 11p partial monosomy syndrome; Frasier syndrome. Last evaluated: 2024-10-23. Review status: criteria provided, single submitter. Criteria: Invitae Variant Classification Sherloc (09022015). Collection method: clinical testing. Allele origin: germline.
Comment: This sequence change falls in intron 7 of the WT1 gene. It does not directly change the encoded amino acid sequence of the WT1 protein. It affects a nucleotide within the consensus splice site. This variant is not present in population databases (gnomAD no frequency). This variant has not been reported in the literature in individuals affected with WT1-related conditions. Variants that disrupt the consensus splice site are a relatively common cause of aberrant splicing (PMID: 17576681, 9536098). Algorithms developed to predict the effect of sequence changes on RNA splicing suggest that this variant may disrupt the consensus splice site. In summary, the available evidence is currently insufficient to determine the role of this variant in disease. Therefore, it has been classified as a Variant of Uncertain Significance.

Literature cited by the submitters: PubMed 17576681; PubMed 9536098.